The following is an entry in ClinVar:

ClinVar aggregate classification (germline): Benign/Likely benign. Review status: criteria provided, multiple submitters, no conflicts (2 of 4 stars). 3 submissions from 3 submitters: Benign (1); Likely benign (2). Last evaluated 2026-02-02.

Conditions:
Hypodontia. Also called: Partial congenital absence of teeth; Tooth agenesis, selective. Identifiers: Orphanet 99798, MedGen C0020608, MONDO:0005486, HP:0000668. Disease mechanism: loss of function.
Tooth agenesis, selective, 3 (STHAG3). Also called: HYPODONTIA/OLIGODONTIA 3. Identifiers: Orphanet 99798, MedGen C1970291, MONDO:0011477, OMIM 604625. Disease mechanism: loss of function.

Allele frequency attached by ClinVar (database versions not stated): 1000 Genomes Project 0.00619; 1000 Genomes Project 30x 0.00656; gnomAD 0.00718 and 0.00784; ESP Exome Variant Server 0.00765; TOPMed 0.00835.
gnomAD v4.1: 2,073 of 1,612,894 alleles (0.13%); highest among the groups gnomAD compares: African/African-American, 2.5%; 17 homozygotes.

Submissions (3):

Labcorp Genetics (formerly Invitae), Labcorp
Classification: Benign for Hypodontia. Last evaluated: 2026-02-02. Review status: criteria provided, single submitter. Criteria: Invitae Variant Classification Sherloc (09022015). Collection method: clinical testing. Allele origin: germline.

Illumina Laboratory Services, Illumina
Classification: Likely benign for Tooth agenesis, selective, 3. Last evaluated: 2018-01-13. Review status: criteria provided, single submitter. Criteria: ICSL Variant Classification Criteria 13 December 2019. Collection method: clinical testing. Allele origin: germline.
Comment: This variant was observed in the ICSL laboratory as part of a predisposition screen in an ostensibly healthy population. It had not been previously curated by ICSL or reported in the Human Gene Mutation Database (HGMD: prior to June 1st, 2018), and was therefore a candidate for classification through an automated scoring system. Utilizing variant allele frequency, disease prevalence and penetrance estimates, and inheritance mode, an automated score was calculated to assess if this variant is too frequent to cause the disease. Based on the score and internal cut-off values, a variant classified as likely benign is not then subjected to further curation. The score for this variant resulted in a classification of likely benign for this disease.

Breakthrough Genomics
Classification: Likely benign. Review status: criteria provided, single submitter. Criteria: ACMG Guidelines, 2015. Collection method: not provided. Allele origin: germline. Inheritance: Autosomal dominant inheritance. Affected: yes.

NM_001372076.1(PAX9):c.623C>G (p.Thr208Ser)

Gene: PAX9 (paired box 9; plus strand). Cytogenetic location: 14q13.3.
Variant type: single nucleotide variant.
Coding change: c.623C>G on transcript NM_001372076.1 (MANE Select); coding-DNA position 623, C replaced by G.
Protein change: p.Thr208Ser; replaces threonine 208 with serine.
Molecular consequence: missense variant.
Genome position (GRCh38, 1-based): chr14:36,663,515, C>G. VCF-style: chr14-36663515-C-G. GRCh37 (hg19) VCF-style: chr14-37132720-C-G.
Other names: c.623C>G, p.Thr208Ser (NM_006194.4); short protein forms T208S.
Identifiers: ClinVar variation 313170 (VCV000313170.16), dbSNP rs116676854, ClinGen allele CA7159015.
Genomic context (GRCh38, chr14:36,663,515, plus strand): 5'-TGCCGCGCACCTGGCCCTCCTCGCACTCCGTCACCGACATCCTGGGCATCCGCTCCATCA[C>G]CGACCAAGGTAGGGGCTCAGAGGCTGGGCGTGTGGATGTGCAGCGTCTGCCCCCGCACTC-3'
Protein context (NP_001359005.1, residues 198-218): VTDILGIRSI[Thr208Ser]DQVSDSSPYH